The following is an entry in ClinVar:

ClinVar aggregate classification (germline): Uncertain significance (1 of 4 stars; one submission).

Submission:

Labcorp Genetics (formerly Invitae), Labcorp
Classification: Uncertain significance. Last evaluated: 2025-08-06. Review status: criteria provided, single submitter. Criteria: Invitae Variant Classification Sherloc (09022015). Collection method: clinical testing. Allele origin: germline.
Comment: This sequence change replaces methionine, which is neutral and non-polar, with leucine, which is neutral and non-polar, at codon 951 of the COL27A1 protein (p.Met951Leu). This variant is not present in population databases (gnomAD no frequency). This variant has not been reported in the literature in individuals affected with COL27A1-related conditions. Invitae Evidence Modeling of protein sequence and biophysical properties (such as structural, functional, and spatial information, amino acid conservation, physicochemical variation, residue mobility, and thermodynamic stability) indicates that this missense variant is not expected to disrupt COL27A1 protein function with a negative predictive value of 80%. In summary, the available evidence is currently insufficient to determine the role of this variant in disease. Therefore, it has been classified as a Variant of Uncertain Significance.

NM_032888.4(COL27A1):c.2851A>C (p.Met951Leu)

Gene: COL27A1 (collagen type XXVII alpha 1 chain; plus strand). Cytogenetic location: 9q32.
Variant type: single nucleotide variant.
Coding change: c.2851A>C on transcript NM_032888.4 (MANE Select); coding-DNA position 2851, A replaced by C.
Protein change: p.Met951Leu; replaces methionine 951 with leucine.
Molecular consequence: missense variant.
Genome position (GRCh38, 1-based): chr9:114,242,202, A>C. VCF-style: chr9-114242202-A-C. GRCh37 (hg19) VCF-style: chr9-117004482-A-C.
Other names: short protein forms M951L.
Identifiers: ClinVar variation 4747995 (VCV004747995.1).
Genomic context (GRCh38, chr9:114,242,202, plus strand): 5'-GATTAACTTTCTCCTTTTTTCCTCTCTCGTGTCTCCCAATTCTAGGGAGATGAGGGACCC[A>C]TGGGGCCGCCAGGGGCCCCTGGCTTGGAGGTGAGTGTCACTGGCCTGGGGTAGGTGGCAT-3'
Protein context (NP_116277.2, residues 941-961): QLGPEGDEGP[Met951Leu]GPPGAPGLEG